The following is an entry in ClinVar:

ClinVar aggregate classification (germline): Uncertain significance. Review status: criteria provided, multiple submitters, no conflicts (2 of 4 stars). 3 submissions from 3 submitters: Uncertain significance (3). Last evaluated 2025-07-03.

Conditions:
Hereditary cancer-predisposing syndrome. Also called: Neoplastic Syndromes, Hereditary; Hereditary neoplastic syndrome; Tumor predisposition; Hereditary Cancer Syndrome. Identifiers: Orphanet 140162, MedGen C0027672, MeSH D009386, MONDO:0015356.
POLD1-related polyposis and colorectal cancer syndrome (CRCS10). Also called: Colorectal cancer 10; COLORECTAL CANCER, SUSCEPTIBILITY TO, ON CHROMOSOME 19q; Colorectal cancer, susceptibility to, 10. Identifiers: Orphanet 220460, MedGen C2675481, MONDO:0012953, OMIM 612591.

Submissions (3):

Dasa
Classification: Uncertain significance. Last evaluated: 2025-07-03. Review status: criteria provided, single submitter. Criteria: DASA Assertion Criteria. Collection method: clinical testing. Allele origin: germline.
Comment: NM_002691.4(POLD1):c.2302del (p.Val768Trpfs*120) is a frameshift variant in POLD1 predicted to alter the reading frame and introduce a premature termination codon. This variant is rare in population databases. The currently available literature and clinical evidence are not sufficient to establish a definitive association between this variant and the reported condition. Therefore, this variant is classified as a variant of uncertain significance.

Ambry Genetics
Classification: Uncertain significance for Hereditary cancer-predisposing syndrome. Last evaluated: 2025-03-22. Review status: criteria provided, single submitter. Criteria: Ambry Variant Classification Scheme 2023. Collection method: clinical testing. Allele origin: germline.
Comment: The c.2302delG variant, located in coding exon 18 of the POLD1 gene, results from a deletion of one nucleotide at nucleotide position 2302, causing a translational frameshift with a predicted alternate stop codon (p.V768Wfs*120). This alteration is expected to result in loss of function by premature protein truncation or nonsense-mediated mRNA decay. However, loss of function of POLD1 has not been established as a mechanism of disease. Based on the available evidence, the clinical significance of this variant remains unclear.

Labcorp Genetics (formerly Invitae), Labcorp
Classification: Uncertain significance for POLD1-related polyposis and colorectal cancer syndrome. Last evaluated: 2023-10-13. Review status: criteria provided, single submitter. Criteria: Invitae Variant Classification Sherloc (09022015). Collection method: clinical testing. Allele origin: germline.
Comment: This sequence change creates a premature translational stop signal (p.Val768Trpfs*120) in the POLD1 gene. Missense variants that disrupt the 3'-5' exonuclease (proof-reading) activity of the POLD1 protein are associated with PPAP (polymerase proofreading–associated polyposis) (PMID: 23263490, 23447401). However, loss-of-function variants that result in an absent or severely disrupted POLD1 protein, and missense variants outside the exonuclease domain, are unlikely to be associated with PPAP. This variant is not present in population databases (gnomAD no frequency). This variant has not been reported in the literature in individuals affected with POLD1-related conditions. ClinVar contains an entry for this variant (Variation ID: 469248). In summary, the available evidence is currently insufficient to determine the role of this variant in disease. Therefore, it has been classified as a Variant of Uncertain Significance.

Literature cited by the submitters: PubMed 23263490 (cited by Labcorp Genetics (formerly Invitae), Labcorp); PubMed 23447401 (cited by Labcorp Genetics (formerly Invitae), Labcorp).

NM_002691.4(POLD1):c.2302del (p.Val768fs)

Gene: POLD1 (DNA polymerase delta 1, catalytic subunit; plus strand). Cytogenetic location: 19q13.33.
Variant type: Deletion.
Coding change: c.2302del on transcript NM_002691.4 (MANE Select); coding-DNA position 2302, one base deleted (G; older notation c.2302delG).
Protein change: p.Val768fs; shifts the reading frame from valine 768.
Molecular consequence: frameshift variant. On other transcripts: non-coding transcript variant (1).
Genome position (GRCh38, 1-based): chr19:50,413,793, G deleted; the last of 2 consecutive G bases (chr19:50,413,792-50,413,793); deleting either gives the same sequence. VCF-style (leftmost placement, unchanged base first): chr19-50413791-CG-C. GRCh37 (hg19) VCF-style: chr19-50917048-CG-C.
Other names: c.2302del, p.Val768fs (NM_001256849.1); c.2380del, p.Val794fs (NM_001308632.1); c.2302delG (NM_002691.2); short protein forms V768fs, V794fs.
Identifiers: ClinVar variation 469248 (VCV000469248.9), dbSNP rs1555792662, ClinGen allele CA658658843.